The following is an entry in ClinVar:

NM_003002.4(SDHD):c.349G>A (p.Gly117Arg)

Gene: SDHD (succinate dehydrogenase complex subunit D; plus strand). Cytogenetic location: 11q23.1.
Variant type: single nucleotide variant.
Coding change: c.349G>A on transcript NM_003002.4 (MANE Select); coding-DNA position 349, G replaced by A.
Protein change: p.Gly117Arg; replaces glycine 117 with arginine.
Molecular consequence: missense variant. On other transcripts: 3 prime UTR variant (1), non-coding transcript variant (1).
Genome position (GRCh38, 1-based): chr11:112,094,839, G>A. VCF-style: chr11-112094839-G-A. GRCh37 (hg19) VCF-style: chr11-111965563-G-A.
Other names: c.204G>A, p.Met68Ile (NM_001276503.2); c.232G>A, p.Gly78Arg (NM_001276504.2); c.*47G>A (NM_001276506.2); short protein forms G78R, G117R, M68I.
Identifiers: ClinVar variation 5029361 (VCV005029361.1).

ClinVar aggregate classification (germline): Uncertain significance (1 of 4 stars; one submission).

Conditions:
Hereditary cancer-predisposing syndrome. Also called: Neoplastic Syndromes, Hereditary; Tumor predisposition; Hereditary neoplastic syndrome; Hereditary Cancer Syndrome. Identifiers: Orphanet 140162, MedGen C0027672, MeSH D009386, MONDO:0015356.

Submission:

Ambry Genetics
Classification: Uncertain significance for Hereditary cancer-predisposing syndrome. Last evaluated: 2026-08-11. Review status: criteria provided, single submitter. Criteria: Ambry Variant Classification Scheme 2023. Collection method: clinical testing. Allele origin: germline.
Comment: The p.G117R variant (also known as c.349G>A), located in coding exon 4 of the SDHD gene, results from a G to A substitution at nucleotide position 349. The glycine at codon 117 is replaced by arginine, an amino acid with dissimilar properties. This amino acid position is conserved. In addition, this alteration is predicted to be deleterious by in silico analysis. Based on the available evidence, the clinical significance of this variant remains unclear.